The following is an entry in ClinVar:

NM_021930.6(RINT1):c.2221G>A (p.Val741Ile)

Genes: EFCAB10 (EF-hand calcium binding domain 10; minus strand), RINT1 (RAD50 interactor 1; plus strand). Cytogenetic location: 7q22.3.
Variant type: single nucleotide variant.
Coding change: c.2221G>A on transcript NM_021930.6 (MANE Select); coding-DNA position 2221, G replaced by A.
Protein change: p.Val741Ile; replaces valine 741 with isoleucine.
Molecular consequence: missense variant. On other transcripts: 3 prime UTR variant (2), non-coding transcript variant (1), intron variant (3).
Genome position (GRCh38, 1-based): chr7:105,567,153, G>A. VCF-style: chr7-105567153-G-A. GRCh37 (hg19) VCF-style: chr7-105207600-G-A.
Other names: c.*301C>T (NM_001355527.2, NM_001355529.2); c.1987G>A, p.Val663Ile (NM_001346599.2); c.1198G>A, p.Val400Ile (NM_001346600.2, NM_001346603.2); c.1297G>A, p.Val433Ile (NM_001346601.2); c.360-1706C>T (NM_001355531.2); c.383+314C>T (NM_001355526.2, NM_001355530.2); short protein forms V433I, V663I, V741I, V400I.
Identifiers: ClinVar variation 1397579 (VCV001397579.9), dbSNP rs749732262, ClinGen allele CA4426918.

ClinVar aggregate classification (germline): Conflicting classifications of pathogenicity. Review status: criteria provided, conflicting classifications (1 of 4 stars). 2 submissions from 2 submitters: Uncertain significance (1); Likely benign (1). Last evaluated 2025-09-10.

Allele frequency attached by ClinVar (database versions not stated): ExAC 0.00003; gnomAD 0.00004; gnomAD exomes 0.00004; TOPMed 0.00006.
gnomAD v4.1: 53 of 1,584,622 alleles (0.0033%); highest among the groups gnomAD compares: Middle Eastern, 0.017%; no homozygotes.

Submissions (2):

Ambry Genetics
Classification: Likely benign. Last evaluated: 2025-09-10. Review status: criteria provided, single submitter. Criteria: Ambry Variant Classification Scheme 2023. Collection method: clinical testing. Allele origin: germline.

Labcorp Genetics (formerly Invitae), Labcorp
Classification: Uncertain significance. Last evaluated: 2023-07-28. Review status: criteria provided, single submitter. Criteria: Invitae Variant Classification Sherloc (09022015). Collection method: clinical testing. Allele origin: germline.
Comment: In summary, the available evidence is currently insufficient to determine the role of this variant in disease. Therefore, it has been classified as a Variant of Uncertain Significance. Algorithms developed to predict the effect of missense changes on protein structure and function output the following: SIFT: "Not Available"; PolyPhen-2: "Benign"; Align-GVGD: "Not Available". The isoleucine amino acid residue is found in multiple mammalian species, which suggests that this missense change does not adversely affect protein function. ClinVar contains an entry for this variant (Variation ID: 1397579). This variant has not been reported in the literature in individuals affected with RINT1-related conditions. This variant is present in population databases (rs749732262, gnomAD 0.007%). This sequence change replaces valine, which is neutral and non-polar, with isoleucine, which is neutral and non-polar, at codon 741 of the RINT1 protein (p.Val741Ile).